The following is an entry in ClinVar:

NM_005343.4(HRAS):c.517C>T (p.Pro173Ser)

Genes: HRAS (HRas proto-oncogene, GTPase; minus strand), LRRC56 (leucine rich repeat containing 56; plus strand). Cytogenetic location: 11p15.5.
Variant type: single nucleotide variant.
Coding change: c.517C>T on transcript NM_005343.4 (MANE Select); coding-DNA position 517, C replaced by T.
Protein change: p.Pro173Ser; replaces proline 173 with serine.
Molecular consequence: missense variant. On other transcripts: 3 prime UTR variant (1).
Genome position (GRCh38, 1-based): chr11:532,689, G>A on the plus strand (C>T on the coding strand, the complement: HRAS is on the minus strand). VCF-style: chr11-532689-G-A. GRCh37 (hg19) VCF-style: chr11-532689-G-A.
Other names: c.517C>T, p.Pro173Ser (NM_001130442.3); c.280C>T, p.Pro94Ser (NM_001318054.2); c.*86C>T (NM_176795.5); short protein forms P173S, P94S.
Identifiers: ClinVar variation 1024818 (VCV001024818.12), dbSNP rs1851178613, ClinGen allele CA378921072.

ClinVar aggregate classification (germline): Uncertain significance. Review status: criteria provided, multiple submitters, no conflicts (2 of 4 stars). 3 submissions from 3 submitters: Uncertain significance (3). Last evaluated 2024-04-23.

Conditions:
Costello syndrome (CSTLO). Also called: FACIOCUTANEOSKELETAL SYNDROME; HRAS-Related Costello Syndrome; FCS SYNDROME. Identifiers: Orphanet 3071, MedGen C0587248, MONDO:0009026, OMIM 218040.

Submissions (3):

Labcorp Genetics (formerly Invitae), Labcorp
Classification: Uncertain significance for Costello syndrome. Last evaluated: 2024-04-23. Review status: criteria provided, single submitter. Criteria: Invitae Variant Classification Sherloc (09022015). Collection method: clinical testing. Allele origin: germline.
Comment: This sequence change replaces proline, which is neutral and non-polar, with serine, which is neutral and polar, at codon 173 of the HRAS protein (p.Pro173Ser). This variant is not present in population databases (gnomAD no frequency). This variant has not been reported in the literature in individuals affected with HRAS-related conditions. ClinVar contains an entry for this variant (Variation ID: 1024818). Advanced modeling performed at Invitae incorporating data from internal and/or published experimental studies (Invitae) indicates that this missense variant is not expected to disrupt HRAS function with a negative predictive value of 95%. Experimental studies have shown that this missense change does not substantially affect HRAS function (PMID: 21403836). In summary, the available evidence is currently insufficient to determine the role of this variant in disease. Therefore, it has been classified as a Variant of Uncertain Significance.

GeneDx
Classification: Uncertain significance. Last evaluated: 2022-06-10. Review status: criteria provided, single submitter. Criteria: GeneDx Variant Classification Process June 2021. Collection method: clinical testing. Allele origin: germline. Affected: yes.
Comment: Not observed at significant frequency in large population cohorts (gnomAD); Missense variants in this gene are often considered pathogenic (HGMD); In silico analysis supports that this missense variant does not alter protein structure/function; Has not been previously published as pathogenic or benign to our knowledge

Revvity Omics, Revvity
Classification: Uncertain significance for Costello syndrome. Last evaluated: 2021-03-15. Review status: criteria provided, single submitter. Criteria: ACMG Guidelines, 2015. Collection method: clinical testing. Allele origin: germline.

Literature cited by the submitters: PubMed 21403836 (cited by Labcorp Genetics (formerly Invitae), Labcorp).